The following is an entry in ClinVar:

ClinVar aggregate classification (germline): Uncertain significance (1 of 4 stars; one submission).

Conditions:
Inborn genetic diseases. Identifiers: MedGen C0950123, MeSH D030342.

Submission:

Ambry Genetics
Classification: Uncertain significance for Inborn genetic diseases. Last evaluated: 2024-07-15. Review status: criteria provided, single submitter. Criteria: Ambry Variant Classification Scheme 2023. Collection method: clinical testing. Allele origin: germline.
Comment: The p.G146E variant (also known as c.437G>A), located in coding exon 5 of the BUB1B gene, results from a G to A substitution at nucleotide position 437. The glycine at codon 146 is replaced by glutamic acid, an amino acid with similar properties. This amino acid position is conserved. In addition, this alteration is predicted to be tolerated by in silico analysis. Since supporting evidence is limited at this time, the clinical significance of this alteration remains unclear.

NM_001211.6(BUB1B):c.437G>A (p.Gly146Glu)

Gene: BUB1B (BUB1 mitotic checkpoint serine/threonine kinase B; plus strand). Cytogenetic location: 15q15.1.
Variant type: single nucleotide variant.
Coding change: c.437G>A on transcript NM_001211.6 (MANE Select); coding-DNA position 437, G replaced by A.
Protein change: p.Gly146Glu; replaces glycine 146 with glutamic acid.
Molecular consequence: missense variant.
Genome position (GRCh38, 1-based): chr15:40,176,529, G>A. VCF-style: chr15-40176529-G-A. GRCh37 (hg19) VCF-style: chr15-40468730-G-A.
Other names: short protein forms G146E.
Identifiers: ClinVar variation 1740147 (VCV001740147.3), dbSNP rs2037225607, ClinGen allele CA391681158.